The following is an entry in ClinVar:

NM_002291.3(LAMB1):c.4745G>T (p.Ser1582Ile)

Gene: LAMB1 (laminin subunit beta 1; minus strand). Cytogenetic location: 7q31.1.
Variant type: single nucleotide variant.
Coding change: c.4745G>T on transcript NM_002291.3 (MANE Select); coding-DNA position 4745, G replaced by T.
Protein change: p.Ser1582Ile; replaces serine 1582 with isoleucine.
Molecular consequence: missense variant.
Genome position (GRCh38, 1-based): chr7:107,929,412, C>A on the plus strand (G>T on the coding strand, the complement: LAMB1 is on the minus strand). VCF-style: chr7-107929412-C-A. GRCh37 (hg19) VCF-style: chr7-107569857-C-A.
Other names: short protein forms S1582I.
Identifiers: ClinVar variation 546488 (VCV000546488.11), dbSNP rs747370433, ClinGen allele CA4434963.
Genomic context (GRCh38, chr7:107,929,412, plus strand): 5'-ACTTTTTACTCCATGATAGATACACAAAATAAGCCCCTTAGATGCCATGTCTTTAGATAC[C>A]TTGCTCTTTTAGCTTCTTCTAACAACATCTCAGCTCTGGCAATGTCAGCAGCACTATGCT-3'
Protein context (NP_002282.2, residues 1572-1592): EMLLEEAKRA[Ser1582Ile]KSATDVKVTA

ClinVar aggregate classification (germline): Uncertain significance. Review status: criteria provided, multiple submitters, no conflicts (2 of 4 stars). 2 submissions from 2 submitters: Uncertain significance (2). Last evaluated 2025-09-10.

Allele frequency attached by ClinVar (database versions not stated): gnomAD exomes 0.00005 and 0.00027; gnomAD 0.00006; TOPMed 0.00019; ExAC 0.00035.
gnomAD v4.1: 80 of 1,612,936 alleles (0.005%); highest among the groups gnomAD compares: Admixed American, 0.12%; no homozygotes.

Submissions (3):

Labcorp Genetics (formerly Invitae), Labcorp
Classification: Uncertain significance. Last evaluated: 2025-09-10. Review status: criteria provided, single submitter. Criteria: Invitae Variant Classification Sherloc (09022015). Collection method: clinical testing. Allele origin: germline.
Comment: This sequence change replaces serine, which is neutral and polar, with isoleucine, which is neutral and non-polar, at codon 1582 of the LAMB1 protein (p.Ser1582Ile). This variant also falls at the last nucleotide of exon 30, which is part of the consensus splice site for this exon. This variant is present in population databases (rs747370433, gnomAD 0.2%). This missense change has been observed in individual(s) with clinical features of LAMB1-related conditions (PMID: 36939041). ClinVar contains an entry for this variant (Variation ID: 546488). An algorithm developed to predict the effect of missense changes on protein structure and function (PolyPhen-2) suggests that this variant is likely to be disruptive. Variants that disrupt the consensus splice site are a relatively common cause of aberrant splicing (PMID: 17576681, 9536098). Algorithms developed to predict the effect of sequence changes on RNA splicing suggest that this variant may disrupt the consensus splice site. In summary, the available evidence is currently insufficient to determine the role of this variant in disease. Therefore, it has been classified as a Variant of Uncertain Significance.

GeneDx
Classification: Uncertain significance. Last evaluated: 2025-08-12. Review status: criteria provided, single submitter. Criteria: GeneDx Variant Classification Process June 2021. Collection method: clinical testing. Allele origin: germline. Affected: yes.
Comment: Alters the last nucleotide of the exon and is predicted to destroy the splice donor site and result in aberrant splicing, although in the absence of functional evidence the actual effect of this sequence change is unknown; This variant is associated with the following publications: (PMID: 23472759, 36939041)

Dr. Peter K. Rogan Lab, Western University
No classification provided (evidence only). Condition: Malignant tumor of urinary bladder. Review status: no classification provided. Collection method: in vitro. Allele origin: not applicable. Functional consequence: skipped exon, retained intron. Not counted in ClinVar's aggregate classification.

Literature cited by the submitters: PubMed 36939041 (cited by Labcorp Genetics (formerly Invitae), Labcorp); PubMed 17576681 (cited by Labcorp Genetics (formerly Invitae), Labcorp); PubMed 9536098 (cited by Labcorp Genetics (formerly Invitae), Labcorp).